The following is an entry in ClinVar:

ClinVar aggregate classification (germline): Benign/Likely benign. Review status: criteria provided, multiple submitters, no conflicts (2 of 4 stars). 5 submissions from 5 submitters: Benign (3); Likely benign (1). 1 of the submissions does not count toward it. Last evaluated 2026-01-08.

Conditions:
CBLIF-related disorder. Also called: CBLIF-related condition.
Hereditary intrinsic factor deficiency (IFD). Also called: PERNICIOUS ANEMIA, CONGENITAL, DUE TO DEFECT OF INTRINSIC FACTOR; Congenital intrinsic factor deficiency. Identifiers: Orphanet 332, MedGen C2062370, MONDO:0009852, OMIM 261000.

Allele frequency attached by ClinVar (database versions not stated): 1000 Genomes Project 0.00639; gnomAD 0.00707 and 0.00763; gnomAD exomes 0.00063 and 0.00183; ExAC 0.00216; TOPMed 0.00778; 1000 Genomes Project 30x 0.00812; ESP Exome Variant Server 0.00862.
gnomAD v4.1: 2,041 of 1,613,066 alleles (0.13%); highest among the groups gnomAD compares: African/African-American, 2.4%; 13 homozygotes.

Submissions (5):

Labcorp Genetics (formerly Invitae), Labcorp
Classification: Benign for Hereditary intrinsic factor deficiency. Last evaluated: 2026-01-08. Review status: criteria provided, single submitter. Criteria: Invitae Variant Classification Sherloc (09022015). Collection method: clinical testing. Allele origin: germline.

Mayo Clinic Laboratories, Mayo Clinic
Classification: Benign. Last evaluated: 2024-10-15. Review status: criteria provided, single submitter. Criteria: ACMG Guidelines, 2015. Collection method: clinical testing. Allele origin: germline. Observed: 1 variant allele.
Comment: BA1, BP4_strong

Illumina Laboratory Services, Illumina
Classification: Benign for Hereditary intrinsic factor deficiency. Last evaluated: 2017-10-20. Review status: criteria provided, single submitter. Criteria: ICSL Variant Classification Criteria 13 December 2019. Collection method: clinical testing. Allele origin: germline.
Comment: This variant was observed as part of a predisposition screen in an ostensibly healthy population. A literature search was performed for the gene, cDNA change, and amino acid change (where applicable). No publications were found based on this search. Allele frequency data from public databases was too high to be consistent with this variant causing disease. Therefore, this variant is classified as benign.

ARUP Laboratories, Molecular Genetics and Genomics, ARUP Laboratories
Classification: Likely benign. Last evaluated: 2017-08-01. Review status: criteria provided, single submitter. Criteria: ARUP Molecular Germline Variant Investigation Process. Collection method: clinical testing. Allele origin: germline.
Comment: The p.Gly65Arg variant (rs11825834) has not been reported in the medical literature. This variant is listed in the Genome Aggregation Database (gnomAD) with a frequency of 2.5 percent in the African population (identified on 599 out of 23,994 chromosomes, including 5 homozygotes). The glycine at position 65 is highly conserved considering twelve species (Alamut v2.9.0) and computational analyses of the effects of the p.Gly65Arg variant on protein structure and function provide conflicting results (SIFT: tolerated, MutationTaster: polymorphism, PolyPhen-2: possibly damaging). Given the overabundance of homozygotes from gnomAD, and similar allele frequency observed in ESP database (2.5 percent), this variant is likely benign.

PreventionGenetics, part of Exact Sciences
Classification: Benign for CBLIF-related condition. Last evaluated: 2024-02-07. Review status: no assertion criteria provided. Collection method: clinical testing. Allele origin: germline. Not counted in ClinVar's aggregate classification.
Comment: This variant is classified as benign based on ACMG/AMP sequence variant interpretation guidelines (Richards et al. 2015 PMID: 25741868, with internal and published modifications).

NM_005142.3(CBLIF):c.193G>A (p.Gly65Arg)

Gene: CBLIF (cobalamin binding intrinsic factor; minus strand). Cytogenetic location: 11q12.1.
Variant type: single nucleotide variant.
Coding change: c.193G>A on transcript NM_005142.3 (MANE Select); coding-DNA position 193, G replaced by A.
Protein change: p.Gly65Arg; replaces glycine 65 with arginine.
Molecular consequence: missense variant.
Genome position (GRCh38, 1-based): chr11:59,843,942, C>T on the plus strand (G>A on the coding strand, the complement: CBLIF is on the minus strand). VCF-style: chr11-59843942-C-T. GRCh37 (hg19) VCF-style: chr11-59611415-C-T.
Other names: short protein forms G65R.
Identifiers: ClinVar variation 618142 (VCV000618142.23), dbSNP rs11825834, ClinGen allele CA6021656.
Genomic context (GRCh38, chr11:59,843,942, plus strand): 5'-TGTTGTCGCTGGACATGAGCTGGTAAGTCAGGAGCTTCTGGGCCTTCAAGTTGTAGGCTC[C>T]GGCCAGATTCATGGCAATCAGGATGCTGGGGTTTGGGTAGGCTGATGAAGTCACCGAGTT-3'
Protein context (NP_005133.2, residues 55-75): PSILIAMNLA[Gly65Arg]AYNLKAQKLL